The following is an entry in ClinVar:

ClinVar aggregate classification (germline): Benign (1 of 4 stars; one submission).

Conditions:
Diaphyseal medullary stenosis-bone malignancy syndrome. Also called: MYOPATHY, LIMB-GIRDLE, WITH BONE FRAGILITY; BONE DYSPLASIA WITH MALIGNANT FIBROUS HISTIOCYTOMA; BONE DYSPLASIA WITH MEDULLARY FIBROSARCOMA. Identifiers: Orphanet 85182, MedGen C1862177, MONDO:0007205, OMIM 112250.

Allele frequency attached by ClinVar (database versions not stated): TOPMed 0.00368; gnomAD exomes 0.00412; gnomAD 0.00498 and 0.00561; 1000 Genomes Project 30x 0.01171; 1000 Genomes Project 0.01178.
gnomAD v4.1: 897 of 163,534 alleles (0.55%); highest among the groups gnomAD compares: East Asian, 5.3%; 14 homozygotes.

Submission:

Illumina Laboratory Services, Illumina
Classification: Benign for Diaphyseal medullary stenosis-bone malignancy syndrome. Last evaluated: 2018-01-12. Review status: criteria provided, single submitter. Criteria: ICSL Variant Classification Criteria 13 December 2019. Collection method: clinical testing. Allele origin: germline.
Comment: This variant was observed in the ICSL laboratory as part of a predisposition screen in an ostensibly healthy population. It had not been previously curated by ICSL or reported in the Human Gene Mutation Database (HGMD: prior to June 1st, 2018), and was therefore a candidate for classification through an automated scoring system. Utilizing variant allele frequency, disease prevalence and penetrance estimates, and inheritance mode, an automated score was calculated to assess if this variant is too frequent to cause the disease. Based on the score and internal cut-off values, a variant classified as benign is not then subjected to further curation. The score for this variant resulted in a classification of benign for this disease.

NM_002451.4(MTAP):c.*393G>C

Gene: MTAP (methylthioadenosine phosphorylase; plus strand). Cytogenetic location: 9p21.3.
Variant type: single nucleotide variant.
Coding change: c.*393G>C on transcript NM_002451.4 (MANE Select); 393 bases downstream of the stop codon, G replaced by C.
Molecular consequence: 3 prime UTR variant.
Genome position (GRCh38, 1-based): chr9:21,862,407, G>C. VCF-style: chr9-21862407-G-C. GRCh37 (hg19) VCF-style: chr9-21862406-G-C.
Identifiers: ClinVar variation 366260 (VCV000366260.5), dbSNP rs78389853, ClinGen allele CA10627080.